The following is an entry in ClinVar:

ClinVar aggregate classification (germline): Likely benign. Review status: criteria provided, multiple submitters, no conflicts (2 of 4 stars). 4 submissions from 4 submitters: Likely benign (3). 1 of the submissions does not count toward it. Last evaluated 2026-01-17.

Conditions:
Hereditary cancer-predisposing syndrome. Also called: Tumor predisposition; Neoplastic Syndromes, Hereditary; Hereditary neoplastic syndrome; Hereditary Cancer Syndrome. Identifiers: Orphanet 140162, MedGen C0027672, MeSH D009386, MONDO:0015356.
Hereditary nonpolyposis colorectal neoplasms. Identifiers: MedGen C0009405, MeSH D003123.
Endometrial carcinoma. Also called: Endometrial carcinoma, somatic. Identifiers: MedGen C0476089, MONDO:0002447, OMIM 608089, HP:0012114.
Lynch syndrome 5 (LYNCH5). Also called: Hereditary non-polyposis colorectal cancer, type 5; Colorectal cancer, hereditary nonpolyposis, type 5. Identifiers: Orphanet 144, MedGen C1833477, MONDO:0013710, OMIM 614350. Disease mechanism: loss of function.

Allele frequency attached by ClinVar (database versions not stated): gnomAD exomes below 0.00001; gnomAD 0.00001; TOPMed 0.00005.
gnomAD v4.1: 5 of 1,597,294 alleles (0.00031%); highest among the groups gnomAD compares: Admixed American, 0.0017%; no homozygotes.

Submissions (4):

Labcorp Genetics (formerly Invitae), Labcorp
Classification: Likely benign for Hereditary nonpolyposis colorectal neoplasms. Last evaluated: 2026-01-17. Review status: criteria provided, single submitter. Criteria: Invitae Variant Classification Sherloc (09022015). Collection method: clinical testing. Allele origin: germline.

Myriad Genetics, Inc.
Classification: Likely benign for Lynch syndrome 5. Last evaluated: 2025-01-07. Review status: criteria provided, single submitter. Criteria: Myriad Autosomal Dominant, Autosomal Recessive and X-Linked Classification Criteria (2023). Collection method: clinical testing. Allele origin: unknown.
Comment: This variant is considered likely benign. This variant is intronic and is not expected to impact mRNA splicing.

Color Diagnostics, LLC DBA Color Health
Classification: Likely benign for Hereditary cancer-predisposing syndrome. Last evaluated: 2017-01-16. Review status: criteria provided, single submitter. Criteria: ACMG Guidelines, 2015. Collection method: clinical testing. Allele origin: germline.

Department of Pathology and Laboratory Medicine, Sinai Health System
Classification: Uncertain significance for Endometrial carcinoma. Review status: no assertion criteria provided. Collection method: clinical testing. Allele origin: unknown. Affected: yes. Study: The Canadian Open Genetics Repository (COGR). Not counted in ClinVar's aggregate classification.
Comment: The MSH6 c.3439-15C>T variant was not identified in the literature nor was it identified in the dbSNP, or UMD-LSDB databases. The variant was only identified in ClinVar (classified as likely benign by Color). The variant was not identified in the following control databases: the Exome Aggregation Consortium (August 8th 2016), or the Genome Aggregation Database (Feb 27, 2017). The variant occurs outside of the splicing consensus sequence and in silico or computational prediction software programs (SpliceSiteFinder, MaxEntScan, NNSPLICE, GeneSplicer) do not predict a difference in splicing. In summary, based on the above information the clinical significance of this variant cannot be determined with certainty at this time. This variant is classified as a variant of uncertain significance.

NM_000179.3(MSH6):c.3439-15C>T

Gene: MSH6 (mutS homolog 6; plus strand). Cytogenetic location: 2p16.3.
Variant type: single nucleotide variant.
Coding change: c.3439-15C>T on transcript NM_000179.3 (MANE Select); 15 bases into the intron before coding-DNA position 3439, C replaced by T.
Molecular consequence: intron variant.
Genome position (GRCh38, 1-based): chr2:47,804,895, C>T. VCF-style: chr2-47804895-C-T. GRCh37 (hg19) VCF-style: chr2-48032034-C-T.
Other names: c.2533-15C>T (NM_001281494.2, NM_001281493.2); c.3049-15C>T (NM_001281492.2).
Identifiers: ClinVar variation 630595 (VCV000630595.12), dbSNP rs1305658142, ClinGen allele CA769463043.